The following is an entry in ClinVar:

NM_015450.3(POT1):c.639A>G (p.Leu213=)

Gene: POT1 (protection of telomeres 1; minus strand). Cytogenetic location: 7q31.33.
Variant type: single nucleotide variant.
Coding change: c.639A>G on transcript NM_015450.3 (MANE Select); coding-DNA position 639, A replaced by G.
Protein change: p.Leu213=; no amino-acid change (leucine 213 retained).
Molecular consequence: synonymous variant. On other transcripts: non-coding transcript variant (3).
Genome position (GRCh38, 1-based): chr7:124,859,020, T>C on the plus strand (A>G on the coding strand, the complement: POT1 is on the minus strand). VCF-style: chr7-124859020-T-C. GRCh37 (hg19) VCF-style: chr7-124499074-T-C.
Other names: c.246A>G, p.Leu82= (NM_001042594.2).
Identifiers: ClinVar variation 475092 (VCV000475092.17), dbSNP rs1309356160, ClinGen allele CA457468861.
Genomic context (GRCh38, chr7:124,859,020, plus strand): 5'-CAGAGATCTTGCCACATGAACATGGTTATCGTAGACTAAAATGTCTATTGTCAGATTTTG[T>C]AGCCGATGGATGTGACTTAAATCACCTTCAAGAACAAGGTCTTGTATTAAGACTCTCCAA-3'
Protein context (NP_056265.2, residues 203-223): LEGDLSHIHR[Leu213=]QNLTIDILVY

ClinVar aggregate classification (germline): Likely benign. Review status: criteria provided, multiple submitters, no conflicts (2 of 4 stars). 3 submissions from 3 submitters: Likely benign (3). Last evaluated 2026-06-30.

Conditions:
POT1-related disorder. Also called: POT1-related condition.
Tumor predisposition syndrome 3 (TPDS3). Also called: Melanoma, cutaneous malignant, susceptibility to, 10; Glioma susceptibility 9; LONG TELOMERE SYNDROME, POT1-RELATED; POT1 Tumor Predisposition. Identifiers: Orphanet 618, MedGen C4014476, MONDO:0014368, OMIM 615848.
Hereditary cancer-predisposing syndrome. Also called: Neoplastic Syndromes, Hereditary; Hereditary Cancer Syndrome; Tumor predisposition; Hereditary neoplastic syndrome. Identifiers: Orphanet 140162, MedGen C0027672, MeSH D009386, MONDO:0015356.

Allele frequency attached by ClinVar (database versions not stated): gnomAD 0.00001; TOPMed 0.00001; gnomAD exomes below 0.00001.
gnomAD v4.1: 3 of 1,610,940 alleles (0.00019%); highest among the groups gnomAD compares: Non-Finnish European, 0.00025%; no homozygotes.

Submissions (3):

PreventionGenetics, part of Exact Sciences
Classification: Likely benign for POT1-related condition. Last evaluated: 2026-06-30. Review status: criteria provided, single submitter. Criteria: ACMG Guidelines, 2015. Collection method: clinical testing. Allele origin: germline.
Comment: This variant is classified as likely benign based on ACMG/AMP sequence variant interpretation guidelines (Richards et al. 2015 PMID: 25741868, with internal and published modifications).

Labcorp Genetics (formerly Invitae), Labcorp
Classification: Likely benign for Tumor predisposition syndrome 3. Last evaluated: 2024-09-30. Review status: criteria provided, single submitter. Criteria: Invitae Variant Classification Sherloc (09022015). Collection method: clinical testing. Allele origin: germline.

Ambry Genetics
Classification: Likely benign for Hereditary cancer-predisposing syndrome. Last evaluated: 2017-08-04. Review status: criteria provided, single submitter. Criteria: Ambry Variant Classification Scheme 2023. Collection method: clinical testing. Allele origin: germline.